The following is an entry in ClinVar:

NM_007194.4(CHEK2):c.1265G>C (p.Ser422Thr)

Gene: CHEK2 (checkpoint kinase 2; minus strand). Cytogenetic location: 22q12.1.
Variant type: single nucleotide variant.
Coding change: c.1265G>C on transcript NM_007194.4 (MANE Select); coding-DNA position 1265, G replaced by C.
Protein change: p.Ser422Thr; replaces serine 422 with threonine.
Molecular consequence: missense variant.
Genome position (GRCh38, 1-based): chr22:28,695,237, C>G on the plus strand (G>C on the coding strand, the complement: CHEK2 is on the minus strand). VCF-style: chr22-28695237-C-G. GRCh37 (hg19) VCF-style: chr22-29091225-C-G.
Other names: c.1394G>C, p.Ser465Thr (NM_001005735.3); c.602G>C, p.Ser201Thr (NM_001257387.3); c.1064G>C, p.Ser355Thr (NM_001349956.3); c.1178G>C, p.Ser393Thr (NM_145862.3); short protein forms S422T, S355T, S201T, S393T, S465T.
Identifiers: ClinVar variation 142901 (VCV000142901.29), dbSNP rs549755590, ClinGen allele CA169718.
Genomic context (GRCh38, chr22:28,695,237, plus strand): 5'-CTGGTGATCTGATCCTTCAGTGACACTTGAGTCCTATGCTCAGAGAAAGGTGGATACCCA[C>G]TAAGGCTTAATATTGGTAGAGAGAGAAAGGAAAAGAAATCAAGTGGCATTCTCAGTGGCA-3'
Protein context (NP_009125.1, residues 412-432): SLGVILFICL[Ser422Thr]GYPPFSEHRT

ClinVar aggregate classification (germline): Uncertain significance. Review status: criteria provided, multiple submitters, no conflicts (2 of 4 stars). 7 submissions from 7 submitters: Uncertain significance (7). Last evaluated 2025-05-19.

Conditions:
Hereditary cancer-predisposing syndrome. Also called: Hereditary Cancer Syndrome; Neoplastic Syndromes, Hereditary; Hereditary neoplastic syndrome; Tumor predisposition. Identifiers: Orphanet 140162, MedGen C0027672, MeSH D009386, MONDO:0015356.
Hereditary breast ovarian cancer syndrome. Also called: BRCA1- and BRCA2-Associated Hereditary Breast and Ovarian Cancer; Hereditary breast and ovarian cancer syndrome; Hereditary breast and/or ovarian cancer syndrome; Breast and ovarian cancer; Hereditary breast and ovarian cancer; Hereditary breast and ovarian cancer syndrome (HBOC). Identifiers: Orphanet 145, MedGen C0677776, MeSH D061325, MONDO:0003582. Disease mechanism: loss of function.
Familial cancer of breast. Also called: BREAST CANCER, FAMILIAL; Hereditary breast cancer; hereditary breast carcinoma. Identifiers: Orphanet 227535, MedGen C0346153, MONDO:0016419, OMIM 114480. Disease mechanism: loss of function.
CHEK2-related cancer predisposition (TPDS4). Also called: CHEK2-related cancer susceptibility; TUMOR PREDISPOSITION SYNDROME 4; CANCER PREDISPOSITION SYNDROME, CHEK2-RELATED. Identifiers: Orphanet 524, MedGen C5882668, MONDO:0700271, OMIM 609265.

Allele frequency attached by ClinVar (database versions not stated): 1000 Genomes Project 30x 0.00016; 1000 Genomes Project 0.00020.
gnomAD v4.1: 12 of 1,575,974 alleles (0.00076%); highest among the groups gnomAD compares: East Asian, 0.027%; no homozygotes.

Submissions (7):

Ambry Genetics
Classification: Uncertain significance for Hereditary cancer-predisposing syndrome. Last evaluated: 2025-05-19. Review status: criteria provided, single submitter. Criteria: Ambry Variant Classification Scheme 2023. Collection method: clinical testing. Allele origin: germline.
Comment: The p.S422T variant (also known as c.1265G>C), located in coding exon 11 of the CHEK2 gene, results from a G to C substitution at nucleotide position 1265. The serine at codon 422 is replaced by threonine, an amino acid with similar properties. This alteration was reported as functional in a study assessing CHEK2-complementation through quantification of KAP1 phosphorylation and CHK2 autophosphorylation in human RPE1-CHEK2-knockout cells (Stolarova L et al. Clin Cancer Res. 2023 Aug;29(16):3037-3050). This amino acid position is well conserved in available vertebrate species. In addition, this alteration is predicted to be tolerated by in silico analysis. Based on the available evidence, the clinical significance of this variant remains unclear.

Labcorp Genetics (formerly Invitae), Labcorp
Classification: Uncertain significance for Familial cancer of breast. Last evaluated: 2025-03-18. Review status: criteria provided, single submitter. Criteria: Invitae Variant Classification Sherloc (09022015). Collection method: clinical testing. Allele origin: germline.
Comment: This sequence change replaces serine, which is neutral and polar, with threonine, which is neutral and polar, at codon 422 of the CHEK2 protein (p.Ser422Thr). This variant is present in population databases (rs549755590, gnomAD 0.02%). This missense change has been observed in individual(s) with breast cancer and biliary cancer (PMID: 30287823, 36243179). ClinVar contains an entry for this variant (Variation ID: 142901). An algorithm developed to predict the effect of missense changes on protein structure and function (PolyPhen-2) suggests that this variant is likely to be tolerated. Algorithms developed to predict the effect of sequence changes on RNA splicing suggest that this variant may create or strengthen a splice site. In summary, the available evidence is currently insufficient to determine the role of this variant in disease. Therefore, it has been classified as a Variant of Uncertain Significance.

Baylor Genetics
Classification: Uncertain significance for Familial cancer of breast. Last evaluated: 2023-05-15. Review status: criteria provided, single submitter. Criteria: ACMG Guidelines, 2015. Collection method: clinical testing. Allele origin: unknown.

Color Diagnostics, LLC DBA Color Health
Classification: Uncertain significance for Hereditary cancer-predisposing syndrome. Last evaluated: 2022-10-10. Review status: criteria provided, single submitter. Criteria: ACMG Guidelines, 2015. Collection method: clinical testing. Allele origin: germline.
Comment: This missense variant replaces serine with threonine at codon 422 of the CHEK2 protein. Computational prediction suggests that this variant may not impact protein structure and function (internally defined REVEL score threshold <= 0.5, PMID: 27666373). To our knowledge, functional studies have not been reported for this variant. In a breast cancer case-control study, this variant has been observed in 5/7051 female cases and 5/11241 female controls (OR=1.59, 95% confidence interval 0.4-6.9) (PMID: 30287823). This variant has been identified in 2/250340 chromosomes in the general population by the Genome Aggregation Database (gnomAD). The available evidence is insufficient to determine the role of this variant in disease conclusively. Therefore, this variant is classified as a Variant of Uncertain Significance.

Women's Health and Genetics/Laboratory Corporation of America, LabCorp
Classification: Uncertain significance. Last evaluated: 2019-11-18. Review status: criteria provided, single submitter. Criteria: LabCorp Variant Classification Summary - May 2015. Collection method: clinical testing. Allele origin: germline.
Comment: Variant summary: CHEK2 c.1265G>C (p.Ser422Thr) results in a conservative amino acid change located in the protein kinase domain (IPR000719) of the encoded protein sequence. Three of five in-silico tools predict a benign effect of the variant on protein function. The variant allele was found at a frequency of 8e-06 in 250340 control chromosomes, predominantly at a frequency of 0.00011 within the East Asian subpopulation in the gnomAD database. The available data on variant occurrences in the general population are insufficient to allow any conclusion about variant significance. c.1265G>C has been reported in the literature in sequencing studies of individuals of Japanese ancestry affected with Breast and Ovarian Cancer (Momozawa_2018, Tanabe_2016). These report(s) do not provide unequivocal conclusions about association of the variant with Hereditary Breast and Ovarian Cancer. Co-occurrence with another pathogenic variant has been reported at our laboratory (BRCA1 c.2162_2163delTT, p.Phe721CysfsX4), providing supporting evidence for a benign role. To our knowledge, no experimental evidence demonstrating an impact on protein function has been reported. Two clinical diagnostic laboratories have submitted clinical-significance assessments for this variant to ClinVar after 2014 without evidence for independent evaluation. All laboratories classified the variant as uncertain significance. Based on the evidence outlined above, the variant was classified as uncertain significance.

Cancer Genomics Group, Japanese Foundation For Cancer Research
Classification: Uncertain significance for Hereditary breast and ovarian cancer syndrome. Last evaluated: 2019-05-01. Review status: criteria provided, single submitter. Criteria: ACMG Guidelines, 2015. Collection method: research. Allele origin: germline. Affected: yes.

Illumina Laboratory Services, Illumina
Classification: Uncertain significance for CHEK2-Related Cancer Susceptibility. Last evaluated: 2018-01-12. Review status: criteria provided, single submitter. Criteria: ICSL Variant Classification Criteria 13 December 2019. Collection method: clinical testing. Allele origin: germline.

Literature cited by the submitters: PubMed 30287823 (cited by 4 submitters); PubMed 37449874 (cited by Ambry Genetics); PubMed 36243179 (cited by Labcorp Genetics (formerly Invitae), Labcorp); PubMed 27852271 (cited by Women's Health and Genetics/Laboratory Corporation of America, LabCorp).